The following is an entry in ClinVar:

ClinVar aggregate classification (germline): Uncertain significance (1 of 4 stars; one submission).

Conditions:
Aortic aneurysm, familial thoracic 4 (AAT4). Also called: AORTIC ANEURYSM/AORTIC DISSECTION AND PATENT DUCTUS ARTERIOSUS. Identifiers: MedGen C1851504, MONDO:0007568, OMIM 132900.

Allele frequency attached by ClinVar (database versions not stated): gnomAD exomes below 0.00001; ExAC 0.00001.
gnomAD v4.1: 3 of 1,614,236 alleles (0.00019%); highest among the groups gnomAD compares: East Asian, 0.0022%; no homozygotes.

Submission:

Labcorp Genetics (formerly Invitae), Labcorp
Classification: Uncertain significance for Aortic aneurysm, familial thoracic 4. Last evaluated: 2023-12-19. Review status: criteria provided, single submitter. Criteria: Invitae Variant Classification Sherloc (09022015). Collection method: clinical testing. Allele origin: germline.
Comment: This sequence change replaces arginine, which is basic and polar, with cysteine, which is neutral and slightly polar, at codon 684 of the MYH11 protein (p.Arg684Cys). This variant is present in population databases (rs748458484, gnomAD 0.0009%). This variant has not been reported in the literature in individuals affected with MYH11-related conditions. Advanced modeling of protein sequence and biophysical properties (such as structural, functional, and spatial information, amino acid conservation, physicochemical variation, residue mobility, and thermodynamic stability) has been performed at Invitae for this missense variant, however the output from this modeling did not meet the statistical confidence thresholds required to predict the impact of this variant on MYH11 protein function. In summary, the available evidence is currently insufficient to determine the role of this variant in disease. Therefore, it has been classified as a Variant of Uncertain Significance.

NM_002474.3(MYH11):c.2029C>T (p.Arg677Cys)

Gene: MYH11 (myosin heavy chain 11; minus strand). Cytogenetic location: 16p13.11.
Variant type: single nucleotide variant.
Coding change: c.2029C>T on transcript NM_002474.3 (MANE Select); coding-DNA position 2029, C replaced by T.
Protein change: p.Arg677Cys; replaces arginine 677 with cysteine.
Molecular consequence: missense variant.
Genome position (GRCh38, 1-based): chr16:15,750,167, G>A on the plus strand (C>T on the coding strand, the complement: MYH11 is on the minus strand). VCF-style: chr16-15750167-G-A. GRCh37 (hg19) VCF-style: chr16-15844024-G-A.
Other names: c.2050C>T, p.Arg684Cys (NM_001040113.2, NM_001040114.2); c.2029C>T, p.Arg677Cys (NM_022844.3); short protein forms R684C, R677C.
Identifiers: ClinVar variation 2919853 (VCV002919853.3), dbSNP rs748458484, ClinGen allele CA7922447.